The following is an entry in ClinVar:

NM_170662.5(CBLB):c.821A>C (p.Gln274Pro)

Gene: CBLB (Cbl proto-oncogene B; minus strand). Cytogenetic location: 3q13.11.
Variant type: single nucleotide variant.
Coding change: c.821A>C on transcript NM_170662.5 (MANE Select); coding-DNA position 821, A replaced by C.
Protein change: p.Gln274Pro; replaces glutamine 274 with proline.
Molecular consequence: missense variant. On other transcripts: 5 prime UTR variant (2), non-coding transcript variant (7).
Genome position (GRCh38, 1-based): chr3:105,745,941, T>G on the plus strand (A>C on the coding strand, the complement: CBLB is on the minus strand). VCF-style: chr3-105745941-T-G. GRCh37 (hg19) VCF-style: chr3-105464785-T-G.
Other names: c.905A>C, p.Gln302Pro (NM_001321786.1, NM_001321789.1); c.821A>C, p.Gln274Pro (NM_001321788.2, NM_001321791.2, NM_001321793.2 and 4 more transcripts); c.887A>C, p.Gln296Pro (NM_001321790.2); c.674A>C, p.Gln225Pro (NM_001321796.2, NM_001321799.2); c.41A>C, p.Gln14Pro (NM_001321806.2, NM_001321807.2, NM_001321808.2 and 3 more transcripts); c.-532A>C (NM_001321820.2); c.-559A>C (NM_001321822.2); short protein forms Q274P, Q14P, Q225P, Q296P, Q302P.
Identifiers: ClinVar variation 133828 (VCV000133828.1), dbSNP rs587778165, ClinGen allele CA157903.

ClinVar aggregate classification (germline): not provided (0 of 4 stars; one submission).

Submission:

ITMI
No classification provided. Condition: AllHighlyPenetrant. Last evaluated: 2013-09-19. Review status: no classification provided. Collection method: reference population. Allele origin: germline.
Comment: Please see associated publication for description of ethnicities

Literature cited by the submitters: PubMed 24728327.